The following is an entry in ClinVar:

NM_152564.5(VPS13B):c.10120T>C (p.Phe3374Leu)

Gene: VPS13B (vacuolar protein sorting 13 homolog B; plus strand). Cytogenetic location: 8q22.2.
Variant type: single nucleotide variant.
Coding change: c.10120T>C on transcript NM_152564.5 (MANE Select); coding-DNA position 10120, T replaced by C.
Protein change: p.Phe3374Leu; replaces phenylalanine 3374 with leucine.
Molecular consequence: missense variant.
Genome position (GRCh38, 1-based): chr8:99,853,509, T>C. VCF-style: chr8-99853509-T-C. GRCh37 (hg19) VCF-style: chr8-100865737-T-C.
Other names: c.10195T>C, p.Phe3399Leu (NM_017890.5); short protein forms F3374L, F3399L.
Identifiers: ClinVar variation 3677109 (VCV003677109.3).
Genomic context (GRCh38, chr8:99,853,509, plus strand): 5'-AGAGCGCCAGAGAAGATTGTTACATTTAAAATGTTCATCACTCAGTTAAGCCTGGCAGTG[T>C]TTGATGACCTCACCCACCACAAAGCATCAGCTGAGCTTCTGAGACTCACACTGGACAACA-3'
Protein context (NP_689777.3, residues 3364-3384): MFITQLSLAV[Phe3374Leu]DDLTHHKASA

ClinVar aggregate classification (germline): Uncertain significance. Review status: criteria provided, multiple submitters, no conflicts (2 of 4 stars). 2 submissions from 2 submitters: Uncertain significance (2). Last evaluated 2026-04-28.

Conditions:
VPS13B-related disorder. Also called: VPS13B-related condition.
Cohen syndrome (COH1). Also called: Cutis verticis gyrata, retinitis pigmentosa, and sensorineural deafness; PEPPER SYNDROME. Identifiers: Orphanet 193, MedGen C0265223, MONDO:0008999, OMIM 216550.

gnomAD v4.1: 1 of 1,614,108 alleles (0.000062%); highest among the groups gnomAD compares: African/African-American, 0.0013%; no homozygotes.

Submissions (2):

PreventionGenetics, part of Exact Sciences
Classification: Uncertain significance for VPS13B-related condition. Last evaluated: 2026-04-28. Review status: criteria provided, single submitter. Criteria: ACMG Guidelines, 2015. Collection method: clinical testing. Allele origin: germline.
Comment: The VPS13B c.10120T>C variant is predicted to result in the amino acid substitution p.Phe3374Leu. To our knowledge, this variant has not been reported in the literature. This variant is reported in 0.011% of alleles in individuals of African descent in gnomAD. At this time, the clinical significance of this variant is uncertain due to the absence of conclusive functional and genetic evidence.

Labcorp Genetics (formerly Invitae), Labcorp
Classification: Uncertain significance for Cohen syndrome. Last evaluated: 2025-07-23. Review status: criteria provided, single submitter. Criteria: Invitae Variant Classification Sherloc (09022015). Collection method: clinical testing. Allele origin: germline.
Comment: This sequence change replaces phenylalanine, which is neutral and non-polar, with leucine, which is neutral and non-polar, at codon 3399 of the VPS13B protein (p.Phe3399Leu). This variant is not present in population databases (gnomAD no frequency). This variant has not been reported in the literature in individuals affected with VPS13B-related conditions. ClinVar contains an entry for this variant (Variation ID: 3677109). Invitae Evidence Modeling of protein sequence and biophysical properties (such as structural, functional, and spatial information, amino acid conservation, physicochemical variation, residue mobility, and thermodynamic stability) indicates that this missense variant is not expected to disrupt VPS13B protein function with a negative predictive value of 80%. In summary, the available evidence is currently insufficient to determine the role of this variant in disease. Therefore, it has been classified as a Variant of Uncertain Significance.